The following is an entry in ClinVar:

ClinVar aggregate classification (germline): Uncertain significance. Review status: criteria provided, multiple submitters, no conflicts (2 of 4 stars). 2 submissions from 2 submitters: Uncertain significance (2). Last evaluated 2023-07-17.

Conditions:
Inborn genetic diseases. Identifiers: MedGen C0950123, MeSH D030342.
MHC class I deficiency. Identifiers: Orphanet 34592, MedGen C6024714, MONDO:0011476.

gnomAD v4.1: 55 of 1,581,002 alleles (0.0035%); highest among the groups gnomAD compares: Non-Finnish European, 0.0046%; no homozygotes.

Submissions (2):

Ambry Genetics
Classification: Uncertain significance for Inborn genetic diseases. Last evaluated: 2023-07-17. Review status: criteria provided, single submitter. Criteria: Ambry Variant Classification Scheme 2023. Collection method: clinical testing. Allele origin: germline.

Labcorp Genetics (formerly Invitae), Labcorp
Classification: Uncertain significance for MHC class I deficiency 1. Last evaluated: 2022-06-04. Review status: criteria provided, single submitter. Criteria: Invitae Variant Classification Sherloc (09022015). Collection method: clinical testing. Allele origin: germline.
Comment: This sequence change replaces glycine, which is neutral and non-polar, with serine, which is neutral and polar, at codon 479 of the TAP1 protein (p.Gly479Ser). The frequency data for this variant in the population databases is considered unreliable, as metrics indicate poor data quality at this position in the gnomAD database. This variant has not been reported in the literature in individuals affected with TAP1-related conditions. ClinVar contains an entry for this variant (Variation ID: 1417928). Algorithms developed to predict the effect of missense changes on protein structure and function are either unavailable or do not agree on the potential impact of this missense change (SIFT: "Tolerated"; PolyPhen-2: "Possibly Damaging"; Align-GVGD: "Class C0"). In summary, the available evidence is currently insufficient to determine the role of this variant in disease. Therefore, it has been classified as a Variant of Uncertain Significance.

NM_000593.6(TAP1):c.1255G>A (p.Gly419Ser)

Gene: TAP1 (transporter 1, ATP binding cassette subfamily B member; minus strand). Cytogenetic location: 6p21.32.
Variant type: single nucleotide variant.
Coding change: c.1255G>A on transcript NM_000593.6 (MANE Select); coding-DNA position 1255, G replaced by A.
Protein change: p.Gly419Ser; replaces glycine 419 with serine.
Molecular consequence: missense variant.
Genome position (GRCh38, 1-based): chr6:32,849,112, C>T on the plus strand (G>A on the coding strand, the complement: TAP1 is on the minus strand). VCF-style: chr6-32849112-C-T. GRCh37 (hg19) VCF-style: chr6-32816889-C-T.
Other names: c.1435G>A (NM_000593.5); c.652G>A, p.Gly218Ser (NM_001292022.2); short protein forms G218S, G419S.
Identifiers: ClinVar variation 1417928 (VCV001417928.6), dbSNP rs2228110, ClinGen allele CA3746820.